The following is an entry in ClinVar:

NM_001164665.2(KIAA1549):c.317C>G (p.Pro106Arg)

Gene: KIAA1549 (KIAA1549; minus strand). Cytogenetic location: 7q34.
Variant type: single nucleotide variant.
Coding change: c.317C>G on transcript NM_001164665.2 (MANE Select); coding-DNA position 317, C replaced by G.
Protein change: p.Pro106Arg; replaces proline 106 with arginine.
Molecular consequence: missense variant.
Genome position (GRCh38, 1-based): chr7:138,919,309, G>C on the plus strand (C>G on the coding strand, the complement: KIAA1549 is on the minus strand). VCF-style: chr7-138919309-G-C. GRCh37 (hg19) VCF-style: chr7-138604055-G-C.
Other names: c.317C>G, p.Pro106Arg (NM_020910.3); short protein forms P106R.
Identifiers: ClinVar variation 1499932 (VCV001499932.8), dbSNP rs777742105, ClinGen allele CA4506973.

ClinVar aggregate classification (germline): Uncertain significance (1 of 4 stars; one submission).

Submission:

Labcorp Genetics (formerly Invitae), Labcorp
Classification: Uncertain significance. Last evaluated: 2022-10-13. Review status: criteria provided, single submitter. Criteria: Invitae Variant Classification Sherloc (09022015). Collection method: clinical testing. Allele origin: germline.
Comment: This sequence change replaces proline, which is neutral and non-polar, with arginine, which is basic and polar, at codon 106 of the KIAA1549 protein (p.Pro106Arg). This variant is present in population databases (rs777742105, gnomAD 0.0009%). In summary, the available evidence is currently insufficient to determine the role of this variant in disease. Therefore, it has been classified as a Variant of Uncertain Significance. Algorithms developed to predict the effect of missense changes on protein structure and function are either unavailable or do not agree on the potential impact of this missense change (SIFT: "Deleterious"; PolyPhen-2: "Benign"; Align-GVGD: "Class C0"). ClinVar contains an entry for this variant (Variation ID: 1499932). This variant has not been reported in the literature in individuals affected with KIAA1549-related conditions.